The following is an entry in ClinVar:

NM_000156.6(GAMT):c.509A>C (p.Asn170Thr)

Gene: GAMT (guanidinoacetate N-methyltransferase; minus strand). Cytogenetic location: 19p13.3.
Variant type: single nucleotide variant.
Coding change: c.509A>C on transcript NM_000156.6 (MANE Select); coding-DNA position 509, A replaced by C.
Protein change: p.Asn170Thr; replaces asparagine 170 with threonine.
Molecular consequence: missense variant.
Genome position (GRCh38, 1-based): chr19:1,398,977, T>G on the plus strand (A>C on the coding strand, the complement: GAMT is on the minus strand). VCF-style: chr19-1398977-T-G. GRCh37 (hg19) VCF-style: chr19-1398976-T-G.
Other names: c.509A>C, p.Asn170Thr (NM_138924.3); short protein forms N170T.
Identifiers: ClinVar variation 664322 (VCV000664322.4), dbSNP rs202199674, ClinGen allele CA9043623.

ClinVar aggregate classification (germline): Uncertain significance. Review status: criteria provided, single submitter (1 of 4 stars). 2 submissions from 2 submitters: Uncertain significance (1). 1 of the submissions does not count toward it. Last evaluated 2022-02-04.

Conditions:
Deficiency of guanidinoacetate methyltransferase (CCDS2). Also called: GAMT DEFICIENCY; CEREBRAL CREATINE DEFICIENCY SYNDROME 2; Guanidinoacetate Methyltransferase (GAMT) Deficiency. Identifiers: Orphanet 382, MedGen C0574080, MONDO:0012999, OMIM 612736.
Cerebral creatine deficiency syndrome. Also called: Creatine deficiency syndromes. Identifiers: Orphanet 79172, MedGen C5244016, MONDO:0000456.

Allele frequency attached by ClinVar (database versions not stated): TOPMed 0.00002; gnomAD exomes 0.00001; gnomAD 0.00003.
gnomAD v4.1: 13 of 1,613,024 alleles (0.00081%); highest among the groups gnomAD compares: Admixed American, 0.0083%; no homozygotes.

Submissions (2):

Labcorp Genetics (formerly Invitae), Labcorp
Classification: Uncertain significance for Cerebral creatine deficiency syndrome. Last evaluated: 2022-02-04. Review status: criteria provided, single submitter. Criteria: Invitae Variant Classification Sherloc (09022015). Collection method: clinical testing. Allele origin: germline.
Comment: This sequence change replaces asparagine, which is neutral and polar, with threonine, which is neutral and polar, at codon 170 of the GAMT protein (p.Asn170Thr). This variant is present in population databases (rs202199674, gnomAD 0.009%). This variant has not been reported in the literature in individuals affected with GAMT-related conditions. ClinVar contains an entry for this variant (Variation ID: 664322). Algorithms developed to predict the effect of missense changes on protein structure and function are either unavailable or do not agree on the potential impact of this missense change (SIFT: "Deleterious"; PolyPhen-2: "Possibly Damaging"; Align-GVGD: "Class C0"). In summary, the available evidence is currently insufficient to determine the role of this variant in disease. Therefore, it has been classified as a Variant of Uncertain Significance.

Natera, Inc.
Classification: Uncertain significance for Guanidinoacetate methyltransferase deficiency. Last evaluated: 2020-08-10. Review status: no assertion criteria provided. Collection method: clinical testing. Allele origin: germline. Not counted in ClinVar's aggregate classification.